The following is an entry in ClinVar:

NM_001920.5(DCN):c.212-6T>C

Gene: DCN (decorin; minus strand). Cytogenetic location: 12q21.33.
Variant type: single nucleotide variant.
Coding change: c.212-6T>C on transcript NM_001920.5 (MANE Select); 6 bases into the intron before coding-DNA position 212, T replaced by C.
Molecular consequence: intron variant.
Genome position (GRCh38, 1-based): chr12:91,164,723, A>G on the plus strand (T>C on the coding strand, the complement: DCN is on the minus strand). VCF-style: chr12-91164723-A-G. GRCh37 (hg19) VCF-style: chr12-91558500-A-G.
Other names: c.212-6T>C (NM_133503.4, NM_133506.3, NM_001920.4); c.211+13619T>C (NM_133507.3); c.212-11534T>C (NM_133505.3); c.212-7535T>C (NM_133504.3).
Identifiers: ClinVar variation 310661 (VCV000310661.11), dbSNP rs191218249, ClinGen allele CA6717118.

ClinVar aggregate classification (germline): Benign. Review status: criteria provided, multiple submitters, no conflicts (2 of 4 stars). 3 submissions from 3 submitters: Benign (2). 1 of the submissions does not count toward it. Last evaluated 2026-01-16.

Conditions:
Congenital stromal corneal dystrophy (CSCD). Identifiers: Orphanet 101068, MedGen C1864738, MONDO:0012401, OMIM 610048.
DCN-related disorder. Also called: DCN-related condition.

Allele frequency attached by ClinVar (database versions not stated): gnomAD 0.00230 and 0.00214; gnomAD exomes 0.00283 and 0.00296; 1000 Genomes Project 30x 0.00078; 1000 Genomes Project 0.00080; TOPMed 0.00196; ESP Exome Variant Server 0.00308; ExAC 0.00389.
gnomAD v4.1: 4,116 of 1,432,096 alleles (0.29%); highest among the groups gnomAD compares: Non-Finnish European, 0.34%; 8 homozygotes.

Submissions (3):

Labcorp Genetics (formerly Invitae), Labcorp
Classification: Benign. Last evaluated: 2026-01-16. Review status: criteria provided, single submitter. Criteria: Invitae Variant Classification Sherloc (09022015). Collection method: clinical testing. Allele origin: germline.

Illumina Laboratory Services, Illumina
Classification: Benign for Congenital stromal corneal dystrophy. Last evaluated: 2018-01-13. Review status: criteria provided, single submitter. Criteria: ICSL Variant Classification Criteria 13 December 2019. Collection method: clinical testing. Allele origin: germline.
Comment: This variant was observed in the ICSL laboratory as part of a predisposition screen in an ostensibly healthy population. It had not been previously curated by ICSL or reported in the Human Gene Mutation Database (HGMD: prior to June 1st, 2018), and was therefore a candidate for classification through an automated scoring system. Utilizing variant allele frequency, disease prevalence and penetrance estimates, and inheritance mode, an automated score was calculated to assess if this variant is too frequent to cause the disease. Based on the score and internal cut-off values, a variant classified as benign is not then subjected to further curation. The score for this variant resulted in a classification of benign for this disease.

PreventionGenetics, part of Exact Sciences
Classification: Benign for DCN-related condition. Last evaluated: 2019-07-31. Review status: no assertion criteria provided. Collection method: clinical testing. Allele origin: germline. Not counted in ClinVar's aggregate classification.
Comment: This variant is classified as benign based on ACMG/AMP sequence variant interpretation guidelines (Richards et al. 2015 PMID: 25741868, with internal and published modifications).